The following is an entry in ClinVar:

ClinVar aggregate classification (germline): Uncertain significance. Review status: criteria provided, multiple submitters, no conflicts (2 of 4 stars). 4 submissions from 4 submitters: Uncertain significance (4). Last evaluated 2025-11-05.

Conditions:
Emery-Dreifuss muscular dystrophy 5, autosomal dominant (EDMD5). Also called: EMERY-DREIFUSS MUSCULAR DYSTROPHY 5. Identifiers: Orphanet 261, MedGen C2751805, MONDO:0013072, OMIM 612999.

Allele frequency attached by ClinVar (database versions not stated): gnomAD exomes 0.00001 and 0.00002; ExAC 0.00002; gnomAD 0.00014; TOPMed 0.00017.
gnomAD v4.1: 39 of 1,614,222 alleles (0.0024%); highest among the groups gnomAD compares: African/African-American, 0.048%; no homozygotes.

Submissions (4):

Ambry Genetics
Classification: Uncertain significance. Last evaluated: 2025-11-05. Review status: criteria provided, single submitter. Criteria: Ambry Variant Classification Scheme 2023. Collection method: clinical testing. Allele origin: germline.

Women's Health and Genetics/Laboratory Corporation of America, LabCorp
Classification: Uncertain significance. Last evaluated: 2025-05-08. Review status: criteria provided, single submitter. Criteria: LabCorp Variant Classification Summary - May 2015. Collection method: clinical testing. Allele origin: germline.
Comment: Variant summary: SYNE2 c.10553G>C (p.Gly3518Ala) results in a non-conservative amino acid change in the encoded protein sequence. Algorithms developed to predict the effect of missense changes on protein structure and function are either unavailable or do not agree on the potential impact of this missense change. The variant allele was found at a frequency of 2e-05 in 249522 control chromosomes (gnomAD). The available data on variant occurrences in the general population are insufficient to allow any conclusion about variant significance. To our knowledge, no occurrence of c.10553G>C in individuals affected with Emery-Dreifuss muscular dystrophy 5, autosomal dominant and no experimental evidence demonstrating its impact on protein function have been reported. ClinVar contains an entry for this variant (Variation ID: 451467). Based on the evidence outlined above, the variant was classified as uncertain significance.

Labcorp Genetics (formerly Invitae), Labcorp
Classification: Uncertain significance for Emery-Dreifuss muscular dystrophy 5, autosomal dominant. Last evaluated: 2025-03-11. Review status: criteria provided, single submitter. Criteria: Invitae Variant Classification Sherloc (09022015). Collection method: clinical testing. Allele origin: germline.
Comment: This sequence change replaces glycine, which is neutral and non-polar, with alanine, which is neutral and non-polar, at codon 3518 of the SYNE2 protein (p.Gly3518Ala). This variant is present in population databases (rs768444096, gnomAD 0.05%), and has an allele count higher than expected for a pathogenic variant. This variant has not been reported in the literature in individuals affected with SYNE2-related conditions. ClinVar contains an entry for this variant (Variation ID: 451467). An algorithm developed to predict the effect of missense changes on protein structure and function (PolyPhen-2) suggests that this variant is likely to be tolerated. In summary, the available evidence is currently insufficient to determine the role of this variant in disease. Therefore, it has been classified as a Variant of Uncertain Significance.

GeneDx
Classification: Uncertain significance. Last evaluated: 2017-08-24. Review status: criteria provided, single submitter. Criteria: GeneDx Variant Classification (06012015). Collection method: clinical testing. Allele origin: germline. Affected: yes.
Comment: The G3518A variant in the SYNE2 gene has not been reported previously as a pathogenic variant, nor as a benign variant, to our knowledge. The G3518A variant is observed in 2/9802 (0.02%) alleles from individuals of African background, in the ExAC dataset (Lek et al., 2016). The G3518A variant is a conservative amino acid substitution, which is not likely to impact secondary protein structure as these residues share similar properties. This substitution occurs at a position that is not conserved. In silico analysis predicts this variant likely does not alter the protein structure/function. We interpret G3518A as a variant of uncertain significance.

NM_182914.3(SYNE2):c.10553G>C (p.Gly3518Ala)

Gene: SYNE2 (spectrin repeat containing nuclear envelope protein 2; plus strand). Cytogenetic location: 14q23.2.
Variant type: single nucleotide variant.
Coding change: c.10553G>C on transcript NM_182914.3 (MANE Select); coding-DNA position 10553, G replaced by C.
Protein change: p.Gly3518Ala; replaces glycine 3518 with alanine.
Molecular consequence: missense variant.
Genome position (GRCh38, 1-based): chr14:64,070,766, G>C. VCF-style: chr14-64070766-G-C. GRCh37 (hg19) VCF-style: chr14-64537484-G-C.
Other names: c.10553G>C, p.Gly3518Ala (NM_015180.6); short protein forms G3518A.
Identifiers: ClinVar variation 451467 (VCV000451467.8), dbSNP rs768444096, ClinGen allele CA7221545.